The following is an entry in ClinVar:

NM_001368809.2(AMPD2):c.1364C>T (p.Thr455Met)

Genes: AMPD2 (adenosine monophosphate deaminase 2; plus strand), LOC126805822 (BRD4-independent group 4 enhancer GRCh37_chr1:110170748-110171947; plus strand). Cytogenetic location: 1p13.3.
Variant type: single nucleotide variant.
Coding change: c.1364C>T on transcript NM_001368809.2 (MANE Select); coding-DNA position 1364, C replaced by T.
Protein change: p.Thr455Met; replaces threonine 455 with methionine.
Molecular consequence: missense variant.
Genome position (GRCh38, 1-based): chr1:109,628,452, C>T. VCF-style: chr1-109628452-C-T. GRCh37 (hg19) VCF-style: chr1-110171074-C-T.
Other names: c.1526C>T (NM_001257360.1); c.1172C>T, p.Thr391Met (NM_001257361.2); c.1301C>T, p.Thr434Met (NM_001308170.1); c.1364C>T, p.Thr455Met (NM_004037.9); c.1283C>T, p.Thr428Met (NM_139156.4); short protein forms T391M, T428M, T434M, T455M.
Identifiers: ClinVar variation 2580688 (VCV002580688.1), dbSNP rs764701518, ClinGen allele CA993084.

ClinVar aggregate classification (germline): Uncertain significance (1 of 4 stars; one submission).

Allele frequency attached by ClinVar (database versions not stated): ExAC 0.00001; gnomAD 0.00001; gnomAD exomes 0.00001; TOPMed 0.00001.
gnomAD v4.1: 8 of 1,613,290 alleles (0.0005%); highest among the groups gnomAD compares: East Asian, 0.0089%; no homozygotes.

Submission:

GeneDx
Classification: Uncertain significance. Last evaluated: 2023-03-24. Review status: criteria provided, single submitter. Criteria: GeneDx Variant Classification Process June 2021. Collection method: clinical testing. Allele origin: germline. Affected: yes.
Comment: Not observed at significant frequency in large population cohorts (gnomAD); In silico analysis supports that this missense variant has a deleterious effect on protein structure/function; Has not been previously published as pathogenic or benign to our knowledge